The following is an entry in ClinVar:

ClinVar aggregate classification (germline): Uncertain significance. Review status: criteria provided, multiple submitters, no conflicts (2 of 4 stars). 2 submissions from 2 submitters: Uncertain significance (2). Last evaluated 2026-05-28.

Conditions:
Cardiovascular phenotype. Identifiers: MedGen CN230736.

Allele frequency attached by ClinVar (database versions not stated): ExAC 0.00001; gnomAD 0.00001; ESP Exome Variant Server 0.00008.
gnomAD v4.1: 1 of 1,614,078 alleles (0.000062%); highest among the groups gnomAD compares: African/African-American, 0.0013%; no homozygotes.

Submissions (2):

Ambry Genetics
Classification: Uncertain significance for Cardiovascular phenotype. Last evaluated: 2026-05-28. Review status: criteria provided, single submitter. Criteria: Ambry Variant Classification Scheme 2023. Collection method: clinical testing. Allele origin: germline.
Comment: The p.D293Y variant (also known as c.877G>T), located in coding exon 3 of the ALPK3 gene, results from a G to T substitution at nucleotide position 877. The aspartic acid at codon 293 is replaced by tyrosine, an amino acid with highly dissimilar properties. This amino acid position is conserved. In addition, this alteration is predicted to be tolerated by in silico analysis. Based on the available evidence, the clinical significance of this variant remains unclear.

Labcorp Genetics (formerly Invitae), Labcorp
Classification: Uncertain significance. Last evaluated: 2025-05-30. Review status: criteria provided, single submitter. Criteria: Invitae Variant Classification Sherloc (09022015). Collection method: clinical testing. Allele origin: germline.
Comment: This sequence change replaces aspartic acid, which is acidic and polar, with tyrosine, which is neutral and polar, at codon 293 of the ALPK3 protein (p.Asp293Tyr). This variant is present in population databases (rs144797313, gnomAD 0.007%). This variant has not been reported in the literature in individuals affected with ALPK3-related conditions. ClinVar contains an entry for this variant (Variation ID: 2705452). An algorithm developed to predict the effect of missense changes on protein structure and function (PolyPhen-2) suggests that this variant is likely to be disruptive. In summary, the available evidence is currently insufficient to determine the role of this variant in disease. Therefore, it has been classified as a Variant of Uncertain Significance.

NM_020778.5(ALPK3):c.271G>T (p.Asp91Tyr)

Gene: ALPK3 (alpha kinase 3; plus strand). Cytogenetic location: 15q25.3.
Variant type: single nucleotide variant.
Coding change: c.271G>T on transcript NM_020778.5 (MANE Select); coding-DNA position 271, G replaced by T.
Protein change: p.Asp91Tyr; replaces aspartic acid 91 with tyrosine.
Molecular consequence: missense variant.
Genome position (GRCh38, 1-based): chr15:84,827,572, G>T. VCF-style: chr15-84827572-G-T. GRCh37 (hg19) VCF-style: chr15-85370803-G-T.
Other names: c.877G>T (NM_020778.4); short protein forms D91Y.
Identifiers: ClinVar variation 2705452 (VCV002705452.4), dbSNP rs144797313, ClinGen allele CA7708912.